The following is an entry in ClinVar:

NM_003235.5(TG):c.3217+11A>C

Gene: TG (thyroglobulin; plus strand). Cytogenetic location: 8q24.22.
Variant type: single nucleotide variant.
Coding change: c.3217+11A>C on transcript NM_003235.5 (MANE Select); 11 bases into the intron after coding-DNA position 3217, A replaced by C.
Molecular consequence: intron variant.
Genome position (GRCh38, 1-based): chr8:132,898,257, A>C. VCF-style: chr8-132898257-A-C. GRCh37 (hg19) VCF-style: chr8-133910502-A-C.
Identifiers: ClinVar variation 361942 (VCV000361942.11), dbSNP rs79594547, ClinGen allele CA4883661.
Genomic context (GRCh38, chr8:132,898,257, plus strand): 5'-AGGGTTCATCCCTGGCTCACTGACTGCCCGCTCTCTGCAGATTCCACAGTGTAAGTGAAG[A>C]CTGCAGAGTTCTCCTCCTGACCCCCCTTGGTGGGCATCACTGGTCTAGTCAGCTGTGGTT-3'

ClinVar aggregate classification (germline): Benign/Likely benign. Review status: criteria provided, multiple submitters, no conflicts (2 of 4 stars). 5 submissions from 5 submitters: Benign (4); Likely benign (1). Last evaluated 2026-05-11.

Conditions:
Iodotyrosyl coupling defect (TDH3). Also called: HYPOTHYROIDISM, CONGENITAL, DUE TO DYSHORMONOGENESIS, 3; THYROID HORMONOGENESIS, GENETIC DEFECT IN, 3. Identifiers: Orphanet 95716, MedGen C0342194, MONDO:0010135, OMIM 274700.

Allele frequency attached by ClinVar (database versions not stated): gnomAD exomes 0.00867 and 0.02315; ExAC 0.03716; ESP Exome Variant Server 0.04021; TOPMed 0.04394; gnomAD 0.04401 and 0.04535; 1000 Genomes Project 30x 0.06137; 1000 Genomes Project 0.06170.
gnomAD v4.1: 19,597 of 1,583,952 alleles (1.2%); highest among the groups gnomAD compares: African/African-American, 12%; 822 homozygotes.

Submissions (5):

Women's Health and Genetics/Laboratory Corporation of America, LabCorp
Classification: Benign. Last evaluated: 2026-05-11. Review status: criteria provided, single submitter. Criteria: LabCorp Variant Classification Summary - May 2015. Collection method: clinical testing. Allele origin: germline.

Labcorp Genetics (formerly Invitae), Labcorp
Classification: Benign. Last evaluated: 2026-02-04. Review status: criteria provided, single submitter. Criteria: Invitae Variant Classification Sherloc (09022015). Collection method: clinical testing. Allele origin: germline.

Blueprint Genetics
Classification: Likely benign. Last evaluated: 2024-11-27. Review status: criteria provided, single submitter. Criteria: ACMG Guidelines, 2015. Collection method: clinical testing. Allele origin: germline.

Illumina Laboratory Services, Illumina
Classification: Benign for Iodotyrosyl coupling defect. Last evaluated: 2018-01-13. Review status: criteria provided, single submitter. Criteria: ICSL Variant Classification Criteria 13 December 2019. Collection method: clinical testing. Allele origin: germline.
Comment: This variant was observed in the ICSL laboratory as part of a predisposition screen in an ostensibly healthy population. It had not been previously curated by ICSL or reported in the Human Gene Mutation Database (HGMD: prior to June 1st, 2018), and was therefore a candidate for classification through an automated scoring system. Utilizing variant allele frequency, disease prevalence and penetrance estimates, and inheritance mode, an automated score was calculated to assess if this variant is too frequent to cause the disease. Based on the score and internal cut-off values, a variant classified as benign is not then subjected to further curation. The score for this variant resulted in a classification of benign for this disease.

Breakthrough Genomics
Classification: Benign. Review status: criteria provided, single submitter. Criteria: ACMG Guidelines, 2015. Collection method: not provided. Allele origin: germline. Inheritance: Autosomal recessive inheritance. Affected: yes.